The following is an entry in ClinVar:

NM_001369.3(DNAH5):c.6444+1G>A

Gene: DNAH5 (dynein axonemal heavy chain 5; minus strand). Cytogenetic location: 5p15.2.
Variant type: single nucleotide variant.
Coding change: c.6444+1G>A on transcript NM_001369.3 (MANE Select); the canonical splice donor site of the intron after coding-DNA position 6444, G replaced by A.
Molecular consequence: splice donor variant.
Genome position (GRCh38, 1-based): chr5:13,829,509, C>T on the plus strand (G>A on the coding strand, the complement: DNAH5 is on the minus strand). VCF-style: chr5-13829509-C-T. GRCh37 (hg19) VCF-style: chr5-13829618-C-T.
Identifiers: ClinVar variation 970097 (VCV000970097.15), dbSNP rs781236248, ClinGen allele CA3203406.

ClinVar aggregate classification (germline): Pathogenic. Review status: criteria provided, multiple submitters, no conflicts (2 of 4 stars). 3 submissions from 3 submitters: Pathogenic (2). 1 of the submissions does not count toward it. Last evaluated 2024-08-08.

Conditions:
Primary ciliary dyskinesia. Also called: Ciliary dyskinesia. Identifiers: Orphanet 244, MedGen C0008780, MONDO:0016575, HP:0012265.
DNAH5-related disorders.

Allele frequency attached by ClinVar (database versions not stated): gnomAD 0.00003; ExAC 0.00004; gnomAD exomes 0.00004 and 0.00005.
gnomAD v4.1: 33 of 1,613,970 alleles (0.002%); highest among the groups gnomAD compares: South Asian, 0.0011%; no homozygotes.

Submissions (3):

Blueprint Genetics
Classification: Pathogenic for DNAH5-related disorders. Last evaluated: 2024-08-08. Review status: criteria provided, single submitter. Criteria: ACMG Guidelines, 2015. Collection method: clinical testing. Allele origin: germline. Affected: yes. Observed: 4 variant alleles.

Labcorp Genetics (formerly Invitae), Labcorp
Classification: Pathogenic for Primary ciliary dyskinesia. Last evaluated: 2022-07-22. Review status: criteria provided, single submitter. Criteria: Invitae Variant Classification Sherloc (09022015). Collection method: clinical testing. Allele origin: germline.
Comment: For these reasons, this variant has been classified as Pathogenic. Algorithms developed to predict the effect of sequence changes on RNA splicing suggest that this variant may disrupt the consensus splice site. ClinVar contains an entry for this variant (Variation ID: 970097). Disruption of this splice site has been observed in individuals with clinical features of DNAH5-related conditions (Invitae). This variant is present in population databases (rs781236248, gnomAD 0.03%). This sequence change affects a donor splice site in intron 38 of the DNAH5 gene. It is expected to disrupt RNA splicing. Variants that disrupt the donor or acceptor splice site typically lead to a loss of protein function (PMID: 16199547), and loss-of-function variants in DNAH5 are known to be pathogenic (PMID: 11788826, 16627867).

Natera, Inc.
Classification: Likely pathogenic for Primary ciliary dyskinesia. Last evaluated: 2020-03-22. Review status: no assertion criteria provided. Collection method: clinical testing. Allele origin: germline. Not counted in ClinVar's aggregate classification.

Literature cited by the submitters: PubMed 16199547 (cited by Labcorp Genetics (formerly Invitae), Labcorp); PubMed 11788826 (cited by Labcorp Genetics (formerly Invitae), Labcorp); PubMed 16627867 (cited by Labcorp Genetics (formerly Invitae), Labcorp).